The following continues an entry in ClinVar:

NM_000487.6(ARSA):c.465+1G>A

Gene: ARSA. ClinVar aggregate classification (germline): Pathogenic. Pathogenic (40).

Submissions 9 to 25 of 56:

Natera, Inc.
Classification: Pathogenic for Metachromatic leukodystrophy. Last evaluated: 2025-12-30. Review status: criteria provided, single submitter. Criteria: Natera Variant Classification Schema (03/2026). Collection method: clinical testing. Allele origin: germline.
Comment: The c.465+1G>A variant in ARSA is a canonical splice donor site variant predicted to affect pre-mRNA splicing, which may result in an abnormal transcript and altered protein product. This variant is expected to result in nonsense mediated decay, truncation, or a dysfunctional protein product. This variant is rare in the general population with a frequency below the threshold expected for the associated phenotype(s). This variant has been observed in one or more individuals affected with the associated recessive disease, as either homozygous or compound heterozygous with a second variant (PMID: 31186049). Additionally, this variant has been observed to segregate in affected family members (PMID: 31186049). Given the available evidence, this variant is classified as Pathogenic.

Otogenetics
Classification: Pathogenic for Metachromatic leukodystrophy. Last evaluated: 2025-12-23. Review status: criteria provided, single submitter. Criteria: ACMG Guidelines, 2015. Collection method: clinical testing. Allele origin: germline.
Comment: PVS1_VeryStrong: Null variant occurring in a canonical splice site (donor site) in gene with loss of function as mechanism of disease, disrupting the reading frame and predicted to undergo NMD; PM2: Maximum gnomAD MAF of 0.115% in European-Non Finnish (NFE) subpopulation (<0.115% threshold); PP3: In-silico models predict deleterious effect (SpliceAI = 0.86, dbscSNV Ada = 1, dbscSNV RF = 0.9)

First Genomix Gene Laboratory, Genetic Diagnostics Department
Classification: Pathogenic for Metachromatic leukodystrophy. Last evaluated: 2025-09-19. Review status: criteria provided, single submitter. Criteria: ACMG Guidelines, 2015. Collection method: clinical testing. Allele origin: germline. Inheritance: Autosomal recessive inheritance. Affected: no. Observed: 1 variant allele.

Mayo Clinic Laboratories, Mayo Clinic
Classification: Pathogenic. Last evaluated: 2025-07-14. Review status: criteria provided, single submitter. Criteria: ACMG Guidelines, 2015. Collection method: clinical testing. Allele origin: germline. Observed: 8 variant alleles.
Comment: PP4, PM3, PS4_moderate, PVS1

Clinical Genetics Laboratory, Skane University Hospital Lund
Classification: Pathogenic for Metachromatic leukodystrophy. Last evaluated: 2025-03-18. Review status: criteria provided, single submitter. Criteria: ACMG Guidelines, 2015. Collection method: clinical testing. Allele origin: germline. Inheritance: Autosomal recessive inheritance. Affected: yes.

Blueprint Genetics
Classification: Pathogenic for ARSA-related disorders. Last evaluated: 2024-11-23. Review status: criteria provided, single submitter. Criteria: ACMG Guidelines, 2015. Collection method: clinical testing. Allele origin: germline. Affected: yes. Observed: 5 variant alleles.

Greenwood Genetic Center Diagnostic Laboratories, Greenwood Genetic Center
Classification: Pathogenic for Metachromatic leukodystrophy. Last evaluated: 2024-06-19. Review status: criteria provided, single submitter. Criteria: ACMG Guidelines, 2015. Collection method: clinical testing. Allele origin: germline. Affected: yes.
Comment: PVS1, PS3_Moderate, PM3

Institute for Clinical Genetics, University Hospital TU Dresden, University Hospital TU Dresden
Classification: Pathogenic. Last evaluated: 2023-05-03. Review status: criteria provided, single submitter. Criteria: ACMG Guidelines, 2015. Collection method: clinical testing. Allele origin: paternal.
Comment: PVS1, PP5, PS3

Broad Center for Mendelian Genomics, Broad Institute of MIT and Harvard
Classification: Pathogenic for Metachromatic leukodystrophy. Last evaluated: 2023-05-02. Review status: criteria provided, single submitter. Criteria: ACMG Guidelines, 2015. Collection method: curation. Allele origin: germline. Inheritance: Autosomal recessive inheritance.
Comment: The homozygous c.465+1G>A variant in ARSA was identified by our study in two siblings with metachromatic leukodystrophy. The c.465+1G>A variant in ARSA has been identified in 60 unrelated individuals with autosomal recessive metachromatic leukodystrophy (PMID: 11456299, PMID: 7825603, PMID: 9600244, PMID: 18786133, PMID: 15952986, PMID: 9096767, PMID: 9090526, PMID: 8455580, PMID: 8095918, PMID: 21167507, PMID: 7815434, PMID: 2574462, PMID: 1670590), but has been identified in 0.1% (140/121592) of European (non-Finnish) chromosomes by the Genome Aggregation Database (gnomAD; dbSNP ID: rs80338815). Although this variant has been seen in the general population in a heterozygous state, its frequency is not high enough to rule out a pathogenic role. This variant has also been reported in ClinVar (Variation ID: 3051) and has been interpreted as pathogenic by multiple submitters. Of these 60 affected unrelated individuals, 35 were homozygotes (PMID: 7825603, PMID: 18786133, PMID: 15952986, PMID: 8455580, PMID: 8095918, PMID: 21167507, PMID: 7815434, PMID: 2574462, PMID: 1670590), 8 were compound heterozygotes who carried pathogenic or likely pathogenic variants in trans (PMID: 9090526, ClinVar ID: 3052; PMID: 9096767, ClinVar ID: 3052, ClinVar ID: 3057; PMID: 18786133, ClinVar Variation ID: 68144, ClinVar Variation ID: 840642, ClinVar Variation ID: 68126), 11 were presumed compound heterozygotes who carried pathogenic or likely pathogenic variants in unknown phase (PMID: 1670590, PMID: 8095918, ClinVar Variation ID: 3052; PMID: 15952986, ClinVar Variation ID: 3052, ClinVar ID: 3057; PMID: 9600244, ClinVar ID: 3057), and four were compound heterozygotes who carried variants of uncertain significance in trans (PMID: 9090526, ClinVar Variation ID: 68115; PMID: 18786133, ClinVar Variation ID: 68145; PMID: 11456299, ClinVar Variation ID: 3092), which increases the likelihood that the c.465+1G>A variant is pathogenic. In vitro functional studies provide some evidence that the c.465+1G>A variant may impact protein function (PMID: 2574462, PMID: 1670590). However, these types of assays may not accurately represent biological function. This variant is located in the 5' splice region. Computational tools predict a splicing impact, though this information is not predictive enough to determine pathogenicity. Loss of function of the ARSA gene is an established disease mechanism in autosomal recessive metachromatic leukodystrophy. In summary, this variant meets criteria to be classified as pathogenic for autosomal recessive metachromatic leukodystrophy. ACMG/AMP Criteria applied: PVS1, PM3_VeryStrong, PS3_Supporting (Richards 2015).

Revvity Omics, Revvity
Classification: Pathogenic for Metachromatic leukodystrophy. Last evaluated: 2022-06-03. Review status: criteria provided, single submitter. Criteria: ACMG Guidelines, 2015. Collection method: clinical testing. Allele origin: germline.

Laboratorio de Genetica e Diagnostico Molecular, Hospital Israelita Albert Einstein
Classification: Pathogenic. Last evaluated: 2022-04-14. Review status: criteria provided, single submitter. Criteria: ACMG Guidelines, 2015. Collection method: clinical testing. Allele origin: germline. Affected: yes.
Comment: ACMG classification criteria: PVS1, PM3

Laboratory of Molecular Genetics (Pr. Bezieau's lab), CHU de Nantes
Classification: Pathogenic for Neurodevelopmental disorder. Last evaluated: 2021-09-13. Review status: criteria provided, single submitter. Criteria: ACMG Guidelines, 2015. Collection method: clinical testing. Allele origin: germline. Affected: yes.

Centre for Inherited Metabolic Diseases, Karolinska University Hospital
Classification: Pathogenic for Metachromatic leukodystrophy. Last evaluated: 2021-03-12. Review status: criteria provided, single submitter. Criteria: ACMG Guidelines, 2015. Collection method: clinical testing. Allele origin: germline. Inheritance: Autosomal recessive inheritance. Affected: yes. Observed: 1 homozygote.

Institute of Human Genetics Munich, TUM University Hospital
Classification: Pathogenic for Metachromatic leukodystrophy. Last evaluated: 2020-11-20. Review status: criteria provided, single submitter. Criteria: Classification criteria August 2017. Collection method: clinical testing. Allele origin: paternal. Inheritance: Autosomal recessive inheritance. Affected: yes. Observed: 1 variant allele.

Institute of Medical Genetics and Applied Genomics, University Hospital Tübingen
Classification: Pathogenic. Last evaluated: 2020-10-23. Review status: criteria provided, single submitter. Criteria: ACMG Guidelines, 2015. Collection method: clinical testing. Allele origin: germline. Inheritance: Unknown mechanism. Affected: yes.

Institute of Human Genetics, Cologne University
Classification: Pathogenic for Metachromatic leukodystrophy. Last evaluated: 2020-09-30. Review status: criteria provided, single submitter. Criteria: ACMG Guidelines, 2015. Collection method: research. Allele origin: germline. Affected: yes.

Rady Children's Institute for Genomic Medicine, Rady Children's Hospital San Diego
Classification: Pathogenic for Deficiency, Arylsulfatase A. Last evaluated: 2020-08-31. Review status: criteria provided, single submitter. Criteria: ACMG Guidelines, 2015. Collection method: clinical testing. Allele origin: germline. Affected: yes.
Comment: This variant is also known in the literature as c.459+1G>A and IVS2+1G>A (PMID: 1670590, 18786133). This variant affects the canonical splice donor site of intron 2 and is therefore predicted to interfere with splicing and result in loss of normal protein function through either protein truncation or nonsense-mediated mRNA decay (NMD). This alteration has been previously reported as a compound heterozygous change in patients with Arylsulfatase A Deficiency (also known as metachromatic leukodystrophy (MLD)) (PMID: 1670590, 18786133, 21167507, 26462614, 9090526, 11456299, 9600244, 7825603). Functional studies indicated that this variant leads to extremely low enzymatic activity (PMID: 18786133). It is present in the heterozygous state in the gnomAD population database at a frequency of 0.062% (168/271628). It is one of the most common pathogenic variant causing early-onset (late infantile) MLD in individuals of central and western European ancestry (PMID: 1670590). Multiple splice prediction tools suggest this variant is likely to interfere with normal splicing. Based on the available evidence, the c.465+1G>A variant is classified as Pathogenic.